The following is an entry in ClinVar:

ClinVar aggregate classification (germline): Uncertain significance. Review status: criteria provided, multiple submitters, no conflicts (2 of 4 stars). 2 submissions from 2 submitters: Uncertain significance (2). Last evaluated 2025-03-03.

Allele frequency attached by ClinVar (database versions not stated): gnomAD exomes 0.00001; TOPMed 0.00001; gnomAD 0.00003.
gnomAD v4.1: 16 of 1,614,042 alleles (0.00099%); highest among the groups gnomAD compares: African/African-American, 0.0053%; no homozygotes.

Submissions (2):

Ambry Genetics
Classification: Uncertain significance. Last evaluated: 2025-03-03. Review status: criteria provided, single submitter. Criteria: Ambry Variant Classification Scheme 2023. Collection method: clinical testing. Allele origin: germline.

Labcorp Genetics (formerly Invitae), Labcorp
Classification: Uncertain significance. Last evaluated: 2020-12-22. Review status: criteria provided, single submitter. Criteria: Invitae Variant Classification Sherloc (09022015). Collection method: clinical testing. Allele origin: germline.
Comment: Algorithms developed to predict the effect of missense changes on protein structure and function output the following: SIFT: "Tolerated"; PolyPhen-2: "Benign"; Align-GVGD: "Class C0". The threonine amino acid residue is found in multiple mammalian species, suggesting that this missense change does not adversely affect protein function. These predictions have not been confirmed by published functional studies and their clinical significance is uncertain. This variant has not been reported in the literature in individuals with A2ML1-related conditions. This variant is present in population databases (rs766181132, ExAC 0.006%). This sequence change replaces alanine with threonine at codon 1183 of the A2ML1 protein (p.Ala1183Thr). The alanine residue is weakly conserved and there is a small physicochemical difference between alanine and threonine. In summary, the available evidence is currently insufficient to determine the role of this variant in disease. Therefore, it has been classified as a Variant of Uncertain Significance.

NM_144670.6(A2ML1):c.3547G>A (p.Ala1183Thr)

Gene: A2ML1 (alpha-2-macroglobulin like 1; plus strand). Cytogenetic location: 12p13.31.
Variant type: single nucleotide variant.
Coding change: c.3547G>A on transcript NM_144670.6 (MANE Select); coding-DNA position 3547, G replaced by A.
Protein change: p.Ala1183Thr; replaces alanine 1183 with threonine.
Molecular consequence: missense variant.
Genome position (GRCh38, 1-based): chr12:8,863,838, G>A. VCF-style: chr12-8863838-G-A. GRCh37 (hg19) VCF-style: chr12-9016434-G-A.
Other names: c.3547G>A (NM_144670.3); c.2074G>A, p.Ala692Thr (NM_001282424.3); short protein forms A1183T, A692T.
Identifiers: ClinVar variation 1024502 (VCV001024502.10), dbSNP rs766181132, ClinGen allele CA6436420.